The following is an entry in ClinVar:

ClinVar aggregate classification (germline): Uncertain significance. Review status: criteria provided, multiple submitters, no conflicts (2 of 4 stars). 2 submissions from 2 submitters: Uncertain significance (2). Last evaluated 2023-07-07.

Conditions:
Charcot-Marie-Tooth disease type 4. Also called: Charcot-Marie-Tooth disease, type IV; Charcot-Marie-Tooth, Type 4. Identifiers: Orphanet 64749, MedGen C4082197, MONDO:0018995.
Inborn genetic diseases. Identifiers: MedGen C0950123, MeSH D030342.

Allele frequency attached by ClinVar (database versions not stated): gnomAD exomes below 0.00001 and 0.00002; gnomAD 0.00001; ExAC 0.00003; TOPMed 0.00004; ESP Exome Variant Server 0.00015; 1000 Genomes Project 30x 0.00016; 1000 Genomes Project 0.00020.
gnomAD v4.1: 3 of 1,613,770 alleles (0.00019%); highest among the groups gnomAD compares: East Asian, 0.0022%; no homozygotes.

Submissions (2):

Labcorp Genetics (formerly Invitae), Labcorp
Classification: Uncertain significance for Charcot-Marie-Tooth disease type 4. Last evaluated: 2023-07-07. Review status: criteria provided, single submitter. Criteria: Invitae Variant Classification Sherloc (09022015). Collection method: clinical testing. Allele origin: germline.
Comment: In summary, the available evidence is currently insufficient to determine the role of this variant in disease. Therefore, it has been classified as a Variant of Uncertain Significance. Advanced modeling of protein sequence and biophysical properties (such as structural, functional, and spatial information, amino acid conservation, physicochemical variation, residue mobility, and thermodynamic stability) performed at Invitae indicates that this missense variant is expected to disrupt MTMR2 protein function. ClinVar contains an entry for this variant (Variation ID: 1047274). This variant has not been reported in the literature in individuals affected with MTMR2-related conditions. This variant is present in population databases (rs147341114, gnomAD 0.02%). This sequence change replaces aspartic acid, which is acidic and polar, with valine, which is neutral and non-polar, at codon 90 of the MTMR2 protein (p.Asp90Val).

Ambry Genetics
Classification: Uncertain significance for Inborn genetic diseases. Last evaluated: 2021-11-23. Review status: criteria provided, single submitter. Criteria: Ambry Variant Classification Scheme 2023. Collection method: clinical testing. Allele origin: germline.

NM_016156.6(MTMR2):c.269A>T (p.Asp90Val)

Gene: MTMR2 (myotubularin related protein 2; minus strand). Cytogenetic location: 11q21.
Variant type: single nucleotide variant.
Coding change: c.269A>T on transcript NM_016156.6 (MANE Select); coding-DNA position 269, A replaced by T.
Protein change: p.Asp90Val; replaces aspartic acid 90 with valine.
Molecular consequence: missense variant.
Genome position (GRCh38, 1-based): chr11:95,862,360, T>A on the plus strand (A>T on the coding strand, the complement: MTMR2 is on the minus strand). VCF-style: chr11-95862360-T-A. GRCh37 (hg19) VCF-style: chr11-95595524-T-A.
Other names: c.53A>T, p.Asp18Val (NM_001243571.2, NM_201278.3, NM_201281.3); c.269A>T (NM_016156.5); short protein forms D18V, D90V.
Identifiers: ClinVar variation 1047274 (VCV001047274.10), dbSNP rs147341114, ClinGen allele CA6240381.